The following is an entry in ClinVar:

ClinVar aggregate classification (germline): Conflicting classifications of pathogenicity. Review status: criteria provided, conflicting classifications (1 of 4 stars). 7 submissions from 7 submitters: Likely pathogenic (4); Uncertain significance (3). Last evaluated 2026-04-01.

Conditions:
TTN-related disorder. Also called: TTN-related condition; TTN-related disease; TTN-related disorders.
Cardiovascular phenotype. Identifiers: MedGen CN230736.
Autosomal recessive limb-girdle muscular dystrophy type 2J (LGMDR10). Also called: Limb-girdle muscular dystrophy, type 2J; MUSCULAR DYSTROPHY, LIMB-GIRDLE, AUTOSOMAL RECESSIVE 10. Identifiers: Orphanet 140922, MedGen C1837342, MONDO:0012127, OMIM 608807.
Dilated cardiomyopathy 1G (CMD1G). Identifiers: Orphanet 154, MedGen C1858763, MONDO:0011400, OMIM 604145.
Primary dilated cardiomyopathy (DCM). Also called: Dilated Cardiomyopathy. Identifiers: Orphanet 217604, MedGen C0007193, MeSH D002311, MONDO:0005021, HP:0001644. Inheritance: Various modes of inheritance.

Allele frequency attached by ClinVar (database versions not stated): gnomAD exomes below 0.00001; TOPMed below 0.00001; ExAC 0.00001; gnomAD 0.00001; ESP Exome Variant Server 0.00008.
gnomAD v4.1: 9 of 1,609,602 alleles (0.00056%); highest among the groups gnomAD compares: Non-Finnish European, 0.00076%; no homozygotes.

Submissions (7):

CeGaT Center for Human Genetics Tuebingen
Classification: Likely pathogenic. Last evaluated: 2026-04-01. Review status: criteria provided, single submitter. Criteria: CeGaT Center For Human Genetics Tuebingen Variant Classification Criteria Version 2. Collection method: clinical testing. Allele origin: germline. Affected: yes. Observed: 1 variant allele.
Comment: TTN: PVS1:Strong, PM2, PS4:Moderate

Labcorp Genetics (formerly Invitae), Labcorp
Classification: Likely pathogenic for Dilated cardiomyopathy 1G; Autosomal recessive limb-girdle muscular dystrophy type 2J. Last evaluated: 2026-01-20. Review status: criteria provided, single submitter. Criteria: Invitae Variant Classification Sherloc (09022015). Collection method: clinical testing. Allele origin: germline.
Comment: This sequence change creates a premature translational stop signal (p.Arg109*) in the TTN gene. While this is not anticipated to result in nonsense mediated decay, it is expected to create a truncated TTN protein. This variant is present in population databases (rs150954246, gnomAD 0.0009%). This premature translational stop signal has been observed in individual(s) with sudden unexplained death (PMID: 34667957). ClinVar contains an entry for this variant (Variation ID: 223360). This variant is located in the Z band of TTN (PMID: 25589632). Truncating variants in this region have been reported in individuals affected with autosomal recessive centronuclear myopathy (PMID: 33449170, internal data). Truncating variants in this region have also been identified in individuals affected with autosomal dominant dilated cardiomyopathy and/or cardio-related conditions (PMID: 27869827, 32964742, internal data). In summary, the currently available evidence indicates that the variant is pathogenic, but additional data are needed to prove that conclusively. Therefore, this variant has been classified as Likely Pathogenic.

Ambry Genetics
Classification: Likely pathogenic for Cardiovascular phenotype. Last evaluated: 2025-02-21. Review status: criteria provided, single submitter. Criteria: Ambry Variant Classification Scheme 2023. Collection method: clinical testing. Allele origin: germline.
Comment: The p.R109* variant (also known as c.325C>T), located in coding exon 3 of the TTN gene, results from a C to T substitution at nucleotide position 325. This changes the amino acid from an arginine to a stop codon within coding exon 3. This exon is located in the Z-disk region of the N2-B isoform of the titin protein and is constitutively expressed in TTN transcripts (percent spliced in or PSI 100%). This variant is considered to be rare based on population cohorts in the Genome Aggregation Database (gnomAD). This variant is expected to result in loss of function by premature protein truncation or nonsense-mediated mRNA decay. While truncating variants in TTN are present in 1-3% of the general population, truncating variants in the A-band are the most common cause of dilated cardiomyopathy (Herman DS et al. N. Engl. J. Med., 2012 Feb;366:619-28; Roberts AM et al. Sci Transl Med, 2015 Jan;7:270ra6). TTN truncating variants encoded in constitutive exons (PSI >90%) have been found to be significantly associated with DCM regardless of their position in titin (Schafer S et al. Nat. Genet., 2017 01;49:46-53; Akhtar MM et al. Circ Heart Fail, 2020 Oct;13:e006832; Massier M et al. Clin Genet, 2025 Jan). Based on the majority of available evidence to date, this variant is likely to be pathogenic.

Revvity Omics, Revvity
Classification: Uncertain significance. Last evaluated: 2019-04-18. Review status: criteria provided, single submitter. Criteria: ACMG Guidelines, 2015. Collection method: clinical testing. Allele origin: germline.

GeneDx
Classification: Uncertain significance. Last evaluated: 2018-08-13. Review status: criteria provided, single submitter. Criteria: GeneDx Variant Classification (06012015). Collection method: clinical testing. Allele origin: germline. Affected: yes.
Comment: A variant of uncertain significance has been identified in the TTN gene. The R109X variant has not been published as pathogenic or been reported as benign to our knowledge. R109X is predicted to cause loss of normal protein function either by protein truncation or nonsense-mediated mRNA decay. Additionally, other nonsense variants in the TTN gene have been reported in HGMD in association with dilated cardiomyopathy (Stenson et al., 2014). However, truncating TTN variants have been reported in approximately 3% of control alleles, and the R109X variant is not located in the A-band region of TTN, where the majority of truncating variants associated with DCM have been reported (Herman et al., 2010). Nevertheless, this variant is not observed at a significant frequency in large population cohorts (Lek et al., 2016).Therefore, based on the currently available information, it is unclear whether this variant is pathogenic or benign.

Blueprint Genetics
Classification: Likely pathogenic for TTN-related disorders. Last evaluated: 2017-08-31. Review status: criteria provided, single submitter. Criteria: ACMG Guidelines, 2015. Collection method: clinical testing. Allele origin: germline. Affected: yes. Observed: 2 variant alleles.

Cardiovascular Biomedical Research Unit, Royal Brompton & Harefield NHS Foundation Trust
Classification: Uncertain significance for Primary dilated cardiomyopathy. Last evaluated: 2014-10-08. Review status: criteria provided, single submitter. Criteria: Roberts et al. 2015. Collection method: research. Allele origin: germline. Inheritance: Autosomal dominant inheritance. Affected: no. Observed: 1 variant allele. Study: WHI cohort.
Comment: In the seven cohorts assessed, TTNtv were found in 14% of ambulant DCM, 22% end-stage or familial DCM, and 2% controls. Heterozygous nonsense, frameshift and canonical splice-disrupting variants found in constitutive and other highly utilised exons are highly likely to be pathogenic when identified in individuals with phenotypically confirmed DCM. TTNtv found incidentally in healthy individuals (excluding familial assessment of DCM relatives) are thought to have low penetrance, particularly when identified in exons that are not constitutively expressed in the heart.

Literature cited by the submitters: PubMed 34667957 (cited by Labcorp Genetics (formerly Invitae), Labcorp); PubMed 25589632 (cited by Labcorp Genetics (formerly Invitae), Labcorp); PubMed 33449170 (cited by Labcorp Genetics (formerly Invitae), Labcorp); PubMed 27869827 (cited by Labcorp Genetics (formerly Invitae), Labcorp); PubMed 32964742 (cited by Labcorp Genetics (formerly Invitae), Labcorp).

NM_001267550.2(TTN):c.325C>T (p.Arg109Ter)

Gene: TTN (titin; minus strand). Cytogenetic location: 2q31.2.
Variant type: single nucleotide variant.
Coding change: c.325C>T on transcript NM_001267550.2 (MANE Select); coding-DNA position 325, C replaced by T.
Protein change: p.Arg109Ter; replaces arginine 109 with a stop codon.
Molecular consequence: nonsense.
Genome position (GRCh38, 1-based): chr2:178,800,653, G>A on the plus strand (C>T on the coding strand, the complement: TTN is on the minus strand). VCF-style: chr2-178800653-G-A. GRCh37 (hg19) VCF-style: chr2-179665380-G-A.
Other names: c.325C>T, p.Arg109Ter (NM_003319.4, NM_133379.5, NM_133432.3 and 3 more transcripts); c.325C>T (LRG_391t1); short protein forms R109*.
Identifiers: ClinVar variation 223360 (VCV000223360.23), dbSNP rs150954246, ClinGen allele CA090367.